The following is an entry in ClinVar:

NM_177438.3(DICER1):c.5677G>A (p.Val1893Ile)

Gene: DICER1 (dicer 1, ribonuclease III; minus strand). Cytogenetic location: 14q32.13.
Variant type: single nucleotide variant.
Coding change: c.5677G>A on transcript NM_177438.3 (MANE Select); coding-DNA position 5677, G replaced by A.
Protein change: p.Val1893Ile; replaces valine 1893 with isoleucine.
Molecular consequence: missense variant. On other transcripts: 3 prime UTR variant (1).
Genome position (GRCh38, 1-based): chr14:95,090,590, C>T on the plus strand (G>A on the coding strand, the complement: DICER1 is on the minus strand). VCF-style: chr14-95090590-C-T. GRCh37 (hg19) VCF-style: chr14-95556927-C-T.
Other names: c.*24G>A (NM_001195573.1); c.5677G>A, p.Val1893Ile (NM_001271282.3, NM_001291628.2, NM_030621.4); short protein forms V1893I.
Identifiers: ClinVar variation 483445 (VCV000483445.8), dbSNP rs1555365992, ClinGen allele CA390863289.

ClinVar aggregate classification (germline): Uncertain significance. Review status: criteria provided, multiple submitters, no conflicts (2 of 4 stars). 2 submissions from 2 submitters: Uncertain significance (2). Last evaluated 2023-12-30.

Conditions:
DICER1-related tumor predisposition. Also called: DICER1-related pleuropulmonary blastoma cancer predisposition syndrome; DICER1 syndrome. Identifiers: Orphanet 284343, MedGen C3839822, MONDO:0100216.
Hereditary cancer-predisposing syndrome. Also called: Hereditary neoplastic syndrome; Neoplastic Syndromes, Hereditary; Tumor predisposition; Hereditary Cancer Syndrome. Identifiers: Orphanet 140162, MedGen C0027672, MeSH D009386, MONDO:0015356.

Submissions (2):

Labcorp Genetics (formerly Invitae), Labcorp
Classification: Uncertain significance for DICER1-related tumor predisposition. Last evaluated: 2023-12-30. Review status: criteria provided, single submitter. Criteria: Invitae Variant Classification Sherloc (09022015). Collection method: clinical testing. Allele origin: germline.
Comment: This sequence change replaces valine, which is neutral and non-polar, with isoleucine, which is neutral and non-polar, at codon 1893 of the DICER1 protein (p.Val1893Ile). This variant is not present in population databases (gnomAD no frequency). This variant has not been reported in the literature in individuals affected with DICER1-related conditions. ClinVar contains an entry for this variant (Variation ID: 483445). An algorithm developed to predict the effect of missense changes on protein structure and function (PolyPhen-2) suggests that this variant is likely to be tolerated. Algorithms developed to predict the effect of sequence changes on RNA splicing suggest that this variant may create or strengthen a splice site. In summary, the available evidence is currently insufficient to determine the role of this variant in disease. Therefore, it has been classified as a Variant of Uncertain Significance.

Ambry Genetics
Classification: Uncertain significance for Hereditary cancer-predisposing syndrome. Last evaluated: 2017-06-21. Review status: criteria provided, single submitter. Criteria: Ambry Variant Classification Scheme 2023. Collection method: clinical testing. Allele origin: germline.
Comment: The p.V1893I variant (also known as c.5677G>A), located in coding exon 26 of the DICER1 gene, results from a G to A substitution at nucleotide position 5677. The valine at codon 1893 is replaced by isoleucine, an amino acid with highly similar properties. This amino acid position is highly conserved in available vertebrate species. In addition, this alteration is predicted to be tolerated by in silico analysis. Since supporting evidence is limited at this time, the clinical significance of this alteration remains unclear.